The following is an entry in ClinVar:

NM_001365999.1(SZT2):c.7370G>A (p.Gly2457Asp)

Gene: SZT2 (SZT2 subunit of KICSTOR complex; plus strand). Cytogenetic location: 1p34.2.
Variant type: single nucleotide variant.
Coding change: c.7370G>A on transcript NM_001365999.1 (MANE Select); coding-DNA position 7370, G replaced by A.
Protein change: p.Gly2457Asp; replaces glycine 2457 with aspartic acid.
Molecular consequence: missense variant.
Genome position (GRCh38, 1-based): chr1:43,441,239, G>A. VCF-style: chr1-43441239-G-A. GRCh37 (hg19) VCF-style: chr1-43906910-G-A.
Other names: c.7199G>A, p.Gly2400Asp (NM_015284.4); short protein forms G2400D, G2457D.
Identifiers: ClinVar variation 2628807 (VCV002628807.2), dbSNP rs1292631437, ClinGen allele CA340034559.
Genomic context (GRCh38, chr1:43,441,239, plus strand): 5'-CAGTAGCCCTTCCTCATTCACTGCATTGCCCCCAGAGTAAAACAGAATGTGGGGATTTGG[G>A]TTCCCCCAAAACAACTGATGACATTGTCCTGGATCGGCCAGAAGACACTCGGGGCCGGAG-3'
Protein context (NP_001352928.1, residues 2447-2467): MLSKTECGDL[Gly2457Asp]SPKTTDDIVL

ClinVar aggregate classification (germline): Uncertain significance. Review status: criteria provided, multiple submitters, no conflicts (2 of 4 stars). 2 submissions from 2 submitters: Uncertain significance (2). Last evaluated 2022-08-25.

Conditions:
SZT2-related disorder. Also called: SZT2-related condition.

Allele frequency attached by ClinVar (database versions not stated): gnomAD exomes 0.00001.
gnomAD v4.1: 13 of 1,614,174 alleles (0.00081%); highest among the groups gnomAD compares: South Asian, 0.0011%; no homozygotes.

Submissions (2):

PreventionGenetics, part of Exact Sciences
Classification: Uncertain significance for SZT2-related condition. Last evaluated: 2022-08-25. Review status: criteria provided, single submitter. Criteria: ACMG Guidelines, 2015. Collection method: clinical testing. Allele origin: germline.
Comment: The SZT2 c.7199G>A variant is predicted to result in the amino acid substitution p.Gly2400Asp. To our knowledge, this variant has not been reported in the literature. This variant is reported in 0.0033% of alleles in individuals of South Asian descent in gnomAD. At this time, the clinical significance of this variant is uncertain due to the absence of conclusive functional and genetic evidence.

Blueprint Genetics
Classification: Uncertain significance. Last evaluated: 2018-11-21. Review status: criteria provided, single submitter. Criteria: ACMG Guidelines, 2015. Collection method: clinical testing. Allele origin: germline.